The following is an entry in ClinVar:

ClinVar aggregate classification (germline): Benign. Review status: criteria provided, multiple submitters, no conflicts (2 of 4 stars). 4 submissions from 4 submitters: Benign (4). Last evaluated 2021-06-09.

Allele frequency attached by ClinVar (database versions not stated): TOPMed 0.22768; 1000 Genomes Project 0.20467; ESP Exome Variant Server 0.21407; gnomAD exomes 0.22046 and 0.20114; gnomAD 0.22861 and 0.23114; 1000 Genomes Project 30x 0.20581; ExAC 0.21937.
gnomAD v4.1: 328,205 of 1,611,266 alleles (20%); highest among the groups gnomAD compares: Admixed American, 29%; 34,919 homozygotes.

Submissions (4):

GeneDx
Classification: Benign. Last evaluated: 2021-06-09. Review status: criteria provided, single submitter. Criteria: GeneDx Variant Classification Process June 2021. Collection method: clinical testing. Allele origin: germline. Affected: yes.

Laboratory for Molecular Medicine, Mass General Brigham Personalized Medicine
Classification: Benign. Last evaluated: 2016-03-28. Review status: criteria provided, single submitter. Criteria: LMM Criteria. Collection method: clinical testing. Allele origin: germline.
Comment: Variant identified in a genome or exome case(s) and assessed due to predicted null impact of the variant or pathogenic assertions in the literature or databases. Disclaimer: This variant has not undergone full assessment. The following are preliminary notes: Frequency

Eurofins Ntd Llc (ga)
Classification: Benign. Last evaluated: 2014-05-22. Review status: criteria provided, single submitter. Criteria: EGL Classification Definitions 2015. Collection method: clinical testing. Allele origin: germline. Observed: 1 variant allele, 1 heterozygote.

Breakthrough Genomics
Classification: Benign. Review status: criteria provided, single submitter. Criteria: ACMG Guidelines, 2015. Collection method: not provided. Allele origin: germline. Inheritance: Autosomal dominant inheritance. Affected: yes.

NM_002458.3(MUC5B):c.4797T>C (p.Ser1599=)

Gene: MUC5B (mucin 5B, oligomeric mucus/gel-forming; plus strand). Cytogenetic location: 11p15.5.
Variant type: single nucleotide variant.
Coding change: c.4797T>C on transcript NM_002458.3 (MANE Select); coding-DNA position 4797, T replaced by C.
Protein change: p.Ser1599=; no amino-acid change (serine 1599 retained).
Molecular consequence: synonymous variant.
Genome position (GRCh38, 1-based): chr11:1,241,677, T>C. VCF-style: chr11-1241677-T-C. GRCh37 (hg19) VCF-style: chr11-1262907-T-C.
Identifiers: ClinVar variation 196682 (VCV000196682.11), dbSNP rs2037089, ClinGen allele CA202512.